The following is an entry in ClinVar:

ClinVar aggregate classification (germline): Uncertain significance (1 of 4 stars; one submission).

Submission:

ARUP Laboratories, Molecular Genetics and Genomics, ARUP Laboratories
Classification: Uncertain significance. Last evaluated: 2023-12-27. Review status: criteria provided, single submitter. Criteria: ARUP Molecular Germline Variant Investigation Process 2024. Collection method: clinical testing. Allele origin: germline.
Comment: The VWF c.4511A>G; p.Glu1504Gly variant, to our knowledge, is not reported in the medical literature or gene specific databases. This variant is also absent from the Genome Aggregation Database (v2.1.1), indicating it is not a common polymorphism. Computational analyses predict that this variant is deleterious (REVEL: 0.841). However, given the lack of clinical and functional data, the significance of this variant is uncertain at this time.

NM_000552.5(VWF):c.4511A>G (p.Glu1504Gly)

Gene: VWF (von Willebrand factor; minus strand). Cytogenetic location: 12p13.31.
Variant type: single nucleotide variant.
Coding change: c.4511A>G on transcript NM_000552.5 (MANE Select); coding-DNA position 4511, A replaced by G.
Protein change: p.Glu1504Gly; replaces glutamic acid 1504 with glycine.
Molecular consequence: missense variant.
Genome position (GRCh38, 1-based): chr12:6,018,907, T>C on the plus strand (A>G on the coding strand, the complement: VWF is on the minus strand). VCF-style: chr12-6018907-T-C. GRCh37 (hg19) VCF-style: chr12-6128073-T-C.
Other names: short protein forms E1504G.
Identifiers: ClinVar variation 3766844 (VCV003766844.1).